The following is an entry in ClinVar:

ClinVar aggregate classification (germline): Conflicting classifications of pathogenicity. Review status: criteria provided, conflicting classifications (1 of 4 stars). 8 submissions from 8 submitters: Uncertain significance (1); Benign (1); Likely benign (5). 1 of the submissions does not count toward it. Last evaluated 2026-01-05.

Conditions:
DSG2-related disorder. Also called: DSG2-related condition.
Cardiomyopathy (CMYO). Also called: Cardiomyopathies. Identifiers: Orphanet 167848, MedGen C0878544, MONDO:0004994, HP:0001638. Inheritance: Various modes of inheritance.
Arrhythmogenic right ventricular dysplasia 10. Also called: Arrhythmogenic right ventricular dysplasia/cardiomyopathy, type 10; Arrhythmogenic Right Ventricular Dysplasia/Cardiomyopathy10; ARRHYTHMOGENIC RIGHT VENTRICULAR DYSPLASIA, FAMILIAL, 10. Identifiers: MedGen C1857777, MONDO:0012434, OMIM 610193.

Submissions (8):

Labcorp Genetics (formerly Invitae), Labcorp
Classification: Likely benign for Arrhythmogenic right ventricular dysplasia 10. Last evaluated: 2026-01-05. Review status: criteria provided, single submitter. Criteria: Invitae Variant Classification Sherloc (09022015). Collection method: clinical testing. Allele origin: germline.

Blueprint Genetics
Classification: Likely benign. Last evaluated: 2023-08-08. Review status: criteria provided, single submitter. Criteria: ACMG Guidelines, 2015. Collection method: clinical testing. Allele origin: germline.

Phosphorus, Inc.
Classification: Likely benign. Last evaluated: 2022-01-19. Review status: criteria provided, single submitter. Criteria: ACMG Guidelines, 2015. Collection method: clinical testing. Allele origin: germline. Inheritance: Autosomal dominant inheritance.
Comment: This deletion variant is located 10bp away from the canonical splice-site in intron 9 of the DSG2 gene (transcript: NM_001943.3). This variant has an entry in ClinVar (228628) NM_001943.5(DSG2):c.1280+4AG[3]. This variant occurred in gnomAD with a total MAF of 0.0175% and the highest MAF of 0.2494% in the East Asian population. This position is not conserved. In silico splicing algorithms predicted that this variant will not have an impact on splicing (not found in scSNV). The variant has not occurred in the literature in association with disease. Considering that the variant has a relatively high frequency in the population, it has been classified as Likely Benign.

Color Diagnostics, LLC DBA Color Health
Classification: Benign for Cardiomyopathy. Last evaluated: 2018-12-03. Review status: criteria provided, single submitter. Criteria: ACMG Guidelines, 2015. Collection method: clinical testing. Allele origin: germline.

Women's Health and Genetics/Laboratory Corporation of America, LabCorp
Classification: Likely benign. Last evaluated: 2017-03-06. Review status: criteria provided, single submitter. Criteria: LabCorp Variant Classification Summary - May 2015. Collection method: clinical testing. Allele origin: germline.
Comment: Variant summary: The DSG2 c.1280+10_1280+11delAG variant involves the alteration of an intronic nucleotide, which 5/5 splice prediction tools predict no significant impact on normal splicing. However, these predictions have yet to be confirmed by functional studies. This variant was found in 19/120602 control chromosomes, predominantly observed in the East Asian subpopulation at a frequency of 0.002206 (19/8612). This frequency is about 221 times the estimated maximal expected allele frequency of a pathogenic DSG2 variant (0.00001), suggesting this is likely a benign polymorphism found primarily in population(s) of East Asian origin. The variant of interest has not, to our knowledge, been reported in affected individuals via publications. In addition, multiple clinical diagnostic laboratories/reputable databases classified this variant as uncertain significance, without additional information to perform an independent evaluation. Therefore, the variant of interest has been classified as "likely benign."

GeneDx
Classification: Likely benign. Last evaluated: 2016-06-24. Review status: criteria provided, single submitter. Criteria: GeneDx Variant Classification (06012015). Collection method: clinical testing. Allele origin: germline. Affected: yes.
Comment: This variant is considered likely benign or benign based on one or more of the following criteria: it is a conservative change, it occurs at a poorly conserved position in the protein, it is predicted to be benign by multiple in silico algorithms, and/or has population frequency not consistent with disease.

Laboratory for Molecular Medicine, Mass General Brigham Personalized Medicine
Classification: Uncertain significance. Last evaluated: 2015-04-13. Review status: criteria provided, single submitter. Criteria: LMM Criteria. Collection method: clinical testing. Allele origin: germline. Observed: 1 variant allele.
Comment: Variant classified as Uncertain Significance - Favor Benign. The c.1280+4AG[3] ( also reported as c.1280+4_1280+5delAG) variant in DSG2 has not been previously r eported in individuals with cardiomyopathy, but has been identified in 0.2% (19/ 8616) of East Asian chromosomes by the Exome Aggregation Consortium (ExAC). This variant results in a deletion of one dinucleoti de repeat in the 5' splice region. Computational tools do not suggest an impact to splicing. However, this information is not predictive enough to rule out path ogenicity. In summary, while the clinical significance of the c.1280+4AG[3] vari ant is uncertain, its frequency suggests that it is more likely to be benign.

PreventionGenetics, part of Exact Sciences
Classification: Likely benign for DSG2-related condition. Last evaluated: 2020-10-19. Review status: no assertion criteria provided. Collection method: clinical testing. Allele origin: germline. Not counted in ClinVar's aggregate classification.
Comment: This variant is classified as likely benign based on ACMG/AMP sequence variant interpretation guidelines (Richards et al. 2015 PMID: 25741868, with internal and published modifications).

NM_001943.5(DSG2):c.1280+4AG[3]

Gene: DSG2 (desmoglein 2; plus strand). Cytogenetic location: 18q12.1.
Variant type: Microsatellite.
Coding change: c.1280+4AG[3] on transcript NM_001943.5 (MANE Select); three copies in a row of the 2-base unit AG starting at c.1280+4; the reference has four copies in a row; one copy, 2 bases deleted.
Molecular consequence: intron variant.
Genome position (GRCh38, 1-based): chr18:31,531,262-31,531,263, AG deleted; deleting any 2 consecutive bases within chr18:31,531,256-31,531,263 gives the same sequence; the position shown is the placement nearest the transcript's 3' end. VCF-style (leftmost placement, unchanged base first): chr18-31531255-AAG-A. GRCh37 (hg19) VCF-style: chr18-29111218-AAG-A.
Other names: c.1280+10_1280+11delAG (NM_001943.3, NM_001943.4).
Identifiers: ClinVar variation 228628 (VCV000228628.25), dbSNP rs876657791, ClinGen allele CA041870.
Genomic context (GRCh38, chr18:31,531,255, plus strand): 5'-AAATAATTGGAAATTTTCAAGCTTTTGATGAGGACACTGGACTACCAGCCCATGCAAGGT[AAG>A]AGAGAGTGACACGTGTATTTCTTTATTTTAAATTATTTTCAGTGCCTATTTTCAAAAATC-3'